The following is an entry in ClinVar:

ClinVar aggregate classification (germline): Likely pathogenic (1 of 4 stars; one submission).

Conditions:
Wieacker-Wolff syndrome. Also called: APRAXIA, OCULOMOTOR, WITH CONGENITAL CONTRACTURES AND MUSCLE ATROPHY; MENTAL RETARDATION, X-LINKED, SYNDROMIC 4; MENTAL RETARDATION, X-LINKED, WITH CONGENITAL CONTRACTURES AND LOW FINGERTIP ARCHES; Miles-Carpenter syndrome; Wieacker-Wolff, X-linked recessive; CONTRACTURES OF FEET, MUSCLE ATROPHY, AND OCULOMOTOR APRAXIA. Identifiers: Orphanet 3454, Orphanet 85283, MedGen C0796200, MONDO:0010758, OMIM 314580.

Submission:

3billion
Classification: Likely pathogenic for Wieacker-Wolff syndrome. Last evaluated: 2024-08-22. Review status: criteria provided, single submitter. Criteria: ACMG Guidelines, 2015. Collection method: clinical testing. Allele origin: germline. Affected: yes.
Comment: The variant is not observed in the gnomAD v4.0.0 dataset. Predicted Consequence/Location: Frameshift: predicted to result in a loss or disruption of normal protein function through protein truncation. Multiple pathogenic variants are reported in the predicted truncated region. Therefore, this variant is classified as Likely pathogenic according to the recommendation of ACMG/AMP guideline.

NM_018684.4(ZC4H2):c.637del (p.Arg213fs)

Gene: ZC4H2 (zinc finger C4H2-type containing; minus strand). Cytogenetic location: Xq11.2.
Variant type: Deletion.
Coding change: c.637del on transcript NM_018684.4 (MANE Select); coding-DNA position 637, one base deleted (C; older notation c.637delC).
Protein change: p.Arg213fs; shifts the reading frame from arginine 213.
Molecular consequence: frameshift variant. On other transcripts: non-coding transcript variant (1).
Genome position (GRCh38, 1-based): chrX:64,917,821, G deleted on the plus strand (C on the coding strand, the reverse complement: ZC4H2 is on the minus strand); the first of 3 consecutive G bases (chrX:64,917,821-64,917,823); deleting any one gives the same sequence. VCF-style (leftmost placement, unchanged base first): chrX-64917820-CG-C. GRCh37 (hg19) VCF-style: chrX-64137700-CG-C.
Other names: c.568del, p.Arg190fs (NM_001178032.3, NM_001243804.2); c.474del, p.Gly159fs (NM_001178033.3); short protein forms G159fs, R190fs, R213fs.
Identifiers: ClinVar variation 4292667 (VCV004292667.1).